The following is an entry in ClinVar:

ClinVar aggregate classification (germline): Likely benign (1 of 4 stars; one submission).

Allele frequency attached by ClinVar (database versions not stated): gnomAD below 0.00001 and 0.00002; gnomAD exomes 0.00001; 1000 Genomes Project 0.00040; ExAC 0.00005; 1000 Genomes Project 30x 0.00031.

Submission:

GeneDx
Classification: Likely benign. Last evaluated: 2017-04-14. Review status: criteria provided, single submitter. Criteria: GeneDx Variant Classification (06012015). Collection method: clinical testing. Allele origin: germline. Affected: yes.
Comment: This variant is considered likely benign or benign based on one or more of the following criteria: it is a conservative change, it occurs at a poorly conserved position in the protein, it is predicted to be benign by multiple in silico algorithms, and/or has population frequency not consistent with disease.

NM_001083961.2(WDR62):c.-35A>G

Gene: WDR62 (WD repeat domain 62; plus strand). Cytogenetic location: 19q13.12.
Variant type: single nucleotide variant.
Coding change: c.-35A>G on transcript NM_001083961.2 (MANE Select); 35 bases upstream of the start codon, A replaced by G.
Molecular consequence: 5 prime UTR variant.
Genome position (GRCh38, 1-based): chr19:36,054,937, A>G. VCF-style: chr19-36054937-A-G. GRCh37 (hg19) VCF-style: chr19-36545839-A-G.
Other names: c.-35A>G (NM_173636.5).
Identifiers: ClinVar variation 506642 (VCV000506642.1), dbSNP rs575160870, ClinGen allele CA9395101.